The following is an entry in ClinVar:

NM_005235.3(ERBB4):c.1622G>A (p.Gly541Asp)

Gene: ERBB4 (erb-b2 receptor tyrosine kinase 4; minus strand). Cytogenetic location: 2q34.
Variant type: single nucleotide variant.
Coding change: c.1622G>A on transcript NM_005235.3 (MANE Select); coding-DNA position 1622, G replaced by A.
Protein change: p.Gly541Asp; replaces glycine 541 with aspartic acid.
Molecular consequence: missense variant.
Genome position (GRCh38, 1-based): chr2:211,679,052, C>T on the plus strand (G>A on the coding strand, the complement: ERBB4 is on the minus strand). VCF-style: chr2-211679052-C-T. GRCh37 (hg19) VCF-style: chr2-212543777-C-T.
Other names: c.1622G>A, p.Gly541Asp (NM_001042599.2, NM_001439005.1, NM_001439006.1); short protein forms G541D.
Identifiers: ClinVar variation 4700209 (VCV004700209.1).
Genomic context (GRCh38, chr2:211,679,052, plus strand): 5'-TCAGAACTAATCAGTCCTTCAAAGCTCATGAGGTGAAGGCAACCCTAGAAGAAGCCTTAC[C>T]CATCATAGAGGTTACAAGACTCTATGCAGATCCTTCCTCTACTGAAGCGGCGACACGACA-3'
Protein context (NP_005226.1, residues 531-551): ICIESCNLYD[Gly541Asp]EFREFENGSI

ClinVar aggregate classification (germline): Uncertain significance (1 of 4 stars; one submission).

Submission:

Labcorp Genetics (formerly Invitae), Labcorp
Classification: Uncertain significance. Last evaluated: 2025-10-18. Review status: criteria provided, single submitter. Criteria: Invitae Variant Classification Sherloc (09022015). Collection method: clinical testing. Allele origin: germline.
Comment: This sequence change replaces glycine, which is neutral and non-polar, with aspartic acid, which is acidic and polar, at codon 541 of the ERBB4 protein (p.Gly541Asp). This variant also falls at the last nucleotide of exon 13, which is part of the consensus splice site for this exon. This variant is not present in population databases (gnomAD no frequency). This variant has not been reported in the literature in individuals affected with ERBB4-related conditions. An algorithm developed to predict the effect of missense changes on protein structure and function (PolyPhen-2) suggests that this variant is likely to be disruptive. Variants that disrupt the consensus splice site are a relatively common cause of aberrant splicing (PMID: 17576681, 9536098). Algorithms developed to predict the effect of sequence changes on RNA splicing suggest that this variant may disrupt the consensus splice site. In summary, the available evidence is currently insufficient to determine the role of this variant in disease. Therefore, it has been classified as a Variant of Uncertain Significance.

Literature cited by the submitters: PubMed 17576681; PubMed 9536098.